The following is an entry in ClinVar:

ClinVar aggregate classification (germline): Conflicting classifications of pathogenicity. Review status: criteria provided, conflicting classifications (1 of 4 stars). 11 submissions from 11 submitters: Uncertain significance (9); Likely benign (1). 1 of the submissions does not count toward it. Last evaluated 2026-02-03.

Conditions:
Juvenile polyposis syndrome (JPS). Identifiers: Orphanet 2929, MedGen C0345893, MONDO:0017380, OMIM 174900.
Hereditary cancer-predisposing syndrome. Also called: Neoplastic Syndromes, Hereditary; Hereditary Cancer Syndrome; Hereditary neoplastic syndrome; Tumor predisposition. Identifiers: Orphanet 140162, MedGen C0027672, MeSH D009386, MONDO:0015356.
Polyposis syndrome, hereditary mixed, 2. Identifiers: Orphanet 157794, MedGen C1864730, MONDO:0012405, OMIM 610069.

Allele frequency attached by ClinVar (database versions not stated): ExAC 0.00001; TOPMed 0.00001; gnomAD exomes 0.00003; ESP Exome Variant Server 0.00015.
gnomAD v4.1: 43 of 1,614,088 alleles (0.0027%); highest among the groups gnomAD compares: Non-Finnish European, 0.0034%; no homozygotes.

Submissions (11):

Labcorp Genetics (formerly Invitae), Labcorp
Classification: Uncertain significance for Juvenile polyposis syndrome. Last evaluated: 2026-02-03. Review status: criteria provided, single submitter. Criteria: Invitae Variant Classification Sherloc (09022015). Collection method: clinical testing. Allele origin: germline.
Comment: This sequence change replaces tyrosine, which is neutral and polar, with asparagine, which is neutral and polar, at codon 245 of the BMPR1A protein (p.Tyr245Asn). This variant is present in population databases (rs369012159, gnomAD 0.0009%). This missense change has been observed in individual(s) with colorectal cancer (PMID: 28135145). ClinVar contains an entry for this variant (Variation ID: 141942). Invitae Evidence Modeling incorporating data from in vitro experimental studies (internal data) indicates that this missense variant is not expected to disrupt BMPR1A function with a negative predictive value of 95%. In summary, the available evidence is currently insufficient to determine the role of this variant in disease. Therefore, it has been classified as a Variant of Uncertain Significance.

Color Diagnostics, LLC DBA Color Health
Classification: Uncertain significance for Hereditary cancer-predisposing syndrome. Last evaluated: 2025-01-13. Review status: criteria provided, single submitter. Criteria: ACMG Guidelines, 2015. Collection method: clinical testing. Allele origin: germline.
Comment: This missense variant replaces tyrosine with asparagine at codon 245 of the BMPR1A protein. Computational prediction suggests that this variant may have deleterious impact on protein structure and function. To our knowledge, functional studies have not been reported for this variant. This variant has been reported in individuals affected with colorectal cancer (PMID: 28135145, 33110269). This variant has also been identified in 1/246194 chromosomes in the general population by the Genome Aggregation Database (gnomAD). The available evidence is insufficient to determine the role of this variant in disease conclusively. Therefore, this variant is classified as a Variant of Uncertain Significance.

GeneDx
Classification: Uncertain significance. Last evaluated: 2024-12-23. Review status: criteria provided, single submitter. Criteria: GeneDx Variant Classification Process June 2021. Collection method: clinical testing. Allele origin: germline. Affected: yes.
Comment: Not observed at significant frequency in large population cohorts (gnomAD); In silico analysis supports that this missense variant has a deleterious effect on protein structure/function; Identified in an individual with colorectal cancer (PMID: 28135145); This variant is associated with the following publications: (PMID: 33110269, 28135145, 15235019)

Baylor Genetics
Classification: Uncertain significance for Polyposis syndrome, hereditary mixed, 2. Last evaluated: 2024-03-12. Review status: criteria provided, single submitter. Criteria: ACMG Guidelines, 2015. Collection method: clinical testing. Allele origin: unknown.

All of Us Research Program, National Institutes of Health
Classification: Uncertain significance for Juvenile polyposis syndrome. Last evaluated: 2023-12-13. Review status: criteria provided, single submitter. Criteria: ACMG Guidelines, 2015. Collection method: clinical testing. Allele origin: germline. Inheritance: Autosomal dominant inheritance. Observed: 12 variant alleles, 12 heterozygotes.
Comment: This missense variant replaces tyrosine with asparagine at codon 245 of the BMPR1A protein. Computational prediction suggests that this variant may have deleterious impact on protein structure and function (internally defined REVEL score threshold >= 0.7, PMID: 27666373). To our knowledge, functional studies have not been reported for this variant. This variant has been reported in individuals affected with colorectal cancer (PMID: 28135145, 33110269). This variant has also been identified in 1/246194 chromosomes in the general population by the Genome Aggregation Database (gnomAD). The available evidence is insufficient to determine the role of this variant in disease conclusively. Therefore, this variant is classified as a Variant of Uncertain Significance.

This study involves interpretation of variants in research participants for the purpose of population health screening. Participant phenotype was not available at the time of variant classification. Additional details can be found in publication PMID: 35346344, PMCID: PMC8962531

Myriad Genetics, Inc.
Classification: Uncertain significance for Juvenile polyposis syndrome. Last evaluated: 2023-03-02. Review status: criteria provided, single submitter. Criteria: Myriad Autosomal Dominant, Autosomal Recessive and X-Linked Classification Criteria (2023). Collection method: clinical testing. Allele origin: unknown.
Comment: This variant is classified as a variant of uncertain significance as there is insufficient evidence to determine its impact on protein function and/or cancer risk.

Quest Diagnostics Nichols Institute San Juan Capistrano
Classification: Uncertain significance. Last evaluated: 2022-10-03. Review status: criteria provided, single submitter. Criteria: Quest Diagnostics criteria. Collection method: clinical testing. Allele origin: unknown.
Comment: It has not been reported in large, multi-ethnic general populations. In the published literature, the variant has been reported in an individual with colorectal cancer (PMID: 28135145 (2017)). Analysis of this variant using bioinformatics tools for the prediction of the effect of amino acid changes on protein structure and function yielded predictions that this variant is damaging. Based on the available information, we are unable to determine the clinical significance of this variant.

Ambry Genetics
Classification: Likely benign for Hereditary cancer-predisposing syndrome. Last evaluated: 2022-04-12. Review status: criteria provided, single submitter. Criteria: Ambry Variant Classification Scheme 2023. Collection method: clinical testing. Allele origin: germline.

Sema4
Classification: Uncertain significance for Hereditary cancer-predisposing syndrome. Last evaluated: 2022-03-21. Review status: criteria provided, single submitter. Criteria: Sema4 Curation Guidelines. Collection method: curation. Allele origin: germline.
Comment: The BMPR1A c.733T>A (p.Y245N) variant has been reported in heterozygosity in at least one individual with colorectal cancer (PMID: 28135145). This variant is not reported in the population database Genome Aggregation Database (PMID: 32461654). This variant has been reported in ClinVar (Variation ID: 141942). In silico tools suggest the impact of the variant on protein function is deleterious, though these predictions have not been confirmed by functional studies. The evidence is insufficient to meet ACMG/AMP criteria for classifying the variant as benign or pathogenic. Thus, the clinical significance of this variant is currently uncertain.

Women's Health and Genetics/Laboratory Corporation of America, LabCorp
Classification: Uncertain significance. Last evaluated: 2016-07-01. Review status: criteria provided, single submitter. Criteria: LabCorp Variant Classification Summary - May 2015. Collection method: clinical testing. Allele origin: germline.
Comment: Variant summary: The BMPR1A c.733T>A (p.Tyr245Asn) variant involves the alteration of a conserved nucleotide. 5/5 in silico tools predict a damaging outcome for this variant. Tyr245 is located in the protein kinase domain of Bone morphogenetic protein receptor type-1A. This variant was found in 1/120952 control chromosomes at a frequency of 0.0000083, which is approximately 4 times the estimated maximal expected allele frequency of a pathogenic BMPR1A variant (0.000002), suggesting this variant could be a benign polymorphism. However, it cannot be ruled out that this individual was affected, since the ExAC database is a general population database, not a healthy control database. The variant of interest has not, to our knowledge, been reported in affected individuals via publications and/or reputable databases/clinical diagnostic laboratories; nor evaluated for functional impact by in vivo/vitro studies. In addition, one clinical diagnostic laboratory classified this variant as a VUS. Because of the absence of clinical information and the lack of functional studies, the variant was classified as a variant of uncertain significance (VUS) until additional information becomes available.

Counsyl
Classification: Uncertain significance for Juvenile polyposis syndrome. Last evaluated: 2016-06-20. Review status: no assertion criteria provided. Collection method: clinical testing. Allele origin: unknown. Not counted in ClinVar's aggregate classification.

Literature cited by the submitters: PubMed 28135145 (cited by 6 submitters); PubMed 33110269 (cited by 3 submitters).

NM_004329.3(BMPR1A):c.733T>A (p.Tyr245Asn)

Gene: BMPR1A (bone morphogenetic protein receptor type 1A; plus strand). Cytogenetic location: 10q23.2.
Variant type: single nucleotide variant.
Coding change: c.733T>A on transcript NM_004329.3 (MANE Select); coding-DNA position 733, T replaced by A.
Protein change: p.Tyr245Asn; replaces tyrosine 245 with asparagine.
Molecular consequence: missense variant.
Genome position (GRCh38, 1-based): chr10:86,917,191, T>A. VCF-style: chr10-86917191-T-A. GRCh37 (hg19) VCF-style: chr10-88676948-T-A.
Other names: short protein forms Y245N.
Identifiers: ClinVar variation 141942 (VCV000141942.32), dbSNP rs369012159, ClinGen allele CA166853.